The following is an entry in ClinVar:

NM_006767.4(LZTR1):c.662G>C (p.Ser221Thr)

Gene: LZTR1 (leucine zipper like post translational regulator 1; plus strand). Cytogenetic location: 22q11.21.
Variant type: single nucleotide variant.
Coding change: c.662G>C on transcript NM_006767.4 (MANE Select); coding-DNA position 662, G replaced by C.
Protein change: p.Ser221Thr; replaces serine 221 with threonine.
Molecular consequence: missense variant.
Genome position (GRCh38, 1-based): chr22:20,990,396, G>C. VCF-style: chr22-20990396-G-C. GRCh37 (hg19) VCF-style: chr22-21344685-G-C.
Other names: short protein forms S221T.
Identifiers: ClinVar variation 3869350 (VCV003869350.1).

ClinVar aggregate classification (germline): Uncertain significance (1 of 4 stars; one submission).

Conditions:
Cardiovascular phenotype. Identifiers: MedGen CN230736.
Hereditary cancer-predisposing syndrome. Also called: Tumor predisposition; Neoplastic Syndromes, Hereditary; Hereditary Cancer Syndrome; Hereditary neoplastic syndrome. Identifiers: Orphanet 140162, MedGen C0027672, MeSH D009386, MONDO:0015356.

gnomAD v4.1: 1 of 1,614,146 alleles (0.000062%); highest among the groups gnomAD compares: Non-Finnish European, 0.000085%; no homozygotes.

Submission:

Ambry Genetics
Classification: Uncertain significance for Cardiovascular phenotype; Hereditary cancer-predisposing syndrome. Last evaluated: 2025-03-10. Review status: criteria provided, single submitter. Criteria: Ambry Variant Classification Scheme 2023. Collection method: clinical testing. Allele origin: germline.
Comment: The p.S221T variant (also known as c.662G>C), located in coding exon 8 of the LZTR1 gene, results from a G to C substitution at nucleotide position 662. The serine at codon 221 is replaced by threonine, an amino acid with similar properties. This amino acid position is conserved. In addition, this alteration is predicted to be tolerated by in silico analysis. Based on the available evidence, the clinical significance of this variant remains unclear.